The following is an entry in ClinVar:

ClinVar aggregate classification (germline): Uncertain significance (1 of 4 stars; one submission).

Conditions:
Dilated cardiomyopathy 1JJ (CMD1JJ). Identifiers: Orphanet 154, MedGen C3808935, MONDO:0014095, OMIM 615235.

gnomAD v4.1: 3 of 1,614,114 alleles (0.00019%); highest among the groups gnomAD compares: Non-Finnish European, 0.00025%; no homozygotes.

Submission:

Labcorp Genetics (formerly Invitae), Labcorp
Classification: Uncertain significance for Dilated cardiomyopathy 1JJ. Last evaluated: 2021-07-26. Review status: criteria provided, single submitter. Criteria: Invitae Variant Classification Sherloc (09022015). Collection method: clinical testing. Allele origin: germline.
Comment: This sequence change falls in intron 15 of the LAMA4 gene. It does not directly change the encoded amino acid sequence of the LAMA4 protein. It affects a nucleotide within the consensus splice site of the intron. This variant is present in population databases (rs782020351, ExAC 0.001%). In summary, the available evidence is currently insufficient to determine the role of this variant in disease. Therefore, it has been classified as a Variant of Uncertain Significance. Nucleotide substitutions within the consensus splice site are a relatively common cause of aberrant splicing (PMID: 17576681, 9536098). Algorithms developed to predict the effect of sequence changes on RNA splicing suggest that this variant is not likely to affect RNA splicing. This variant has not been reported in the literature in individuals affected with LAMA4-related conditions.

Literature cited by the submitters: PubMed 17576681; PubMed 9536098.

NM_001105206.3(LAMA4):c.1959+3G>A

Gene: LAMA4 (laminin subunit alpha 4; minus strand). Cytogenetic location: 6q21.
Variant type: single nucleotide variant.
Coding change: c.1959+3G>A on transcript NM_001105206.3 (MANE Select); 3 bases into the intron after coding-DNA position 1959, G replaced by A.
Molecular consequence: intron variant.
Genome position (GRCh38, 1-based): chr6:112,155,562, C>T on the plus strand (G>A on the coding strand, the complement: LAMA4 is on the minus strand). VCF-style: chr6-112155562-C-T. GRCh37 (hg19) VCF-style: chr6-112476764-C-T.
Other names: c.1938+3G>A (NM_002290.5, NM_001105207.3).
Identifiers: ClinVar variation 1405956 (VCV001405956.6), dbSNP rs782020351, ClinGen allele CA3965632.